The following is an entry in ClinVar:

ClinVar aggregate classification (germline): Uncertain significance. Review status: criteria provided, multiple submitters, no conflicts (2 of 4 stars). 2 submissions from 2 submitters: Uncertain significance (2). Last evaluated 2025-12-08.

Conditions:
Birt-Hogg-Dube syndrome. Also called: Birt Hogg Dubé syndrome. Identifiers: Orphanet 122, MedGen C0346010, MONDO:0800444.
Hereditary cancer-predisposing syndrome. Also called: Tumor predisposition; Neoplastic Syndromes, Hereditary; Hereditary Cancer Syndrome; Hereditary neoplastic syndrome. Identifiers: Orphanet 140162, MedGen C0027672, MeSH D009386, MONDO:0015356.

Submissions (2):

Labcorp Genetics (formerly Invitae), Labcorp
Classification: Uncertain significance for Birt-Hogg-Dube syndrome. Last evaluated: 2025-12-08. Review status: criteria provided, single submitter. Criteria: Invitae Variant Classification Sherloc (09022015). Collection method: clinical testing. Allele origin: germline.
Comment: This variant, c.1382_1384dup, results in the insertion of 1 amino acid(s) of the FLCN protein (p.Ser461dup), but otherwise preserves the integrity of the reading frame. This variant is present in population databases (no rsID available, gnomAD 0.06%). This variant has not been reported in the literature in individuals affected with FLCN-related conditions. ClinVar contains an entry for this variant (Variation ID: 2586488). In summary, the available evidence is currently insufficient to determine the role of this variant in disease. Therefore, it has been classified as a Variant of Uncertain Significance.

Ambry Genetics
Classification: Uncertain significance for Hereditary cancer-predisposing syndrome. Last evaluated: 2023-06-21. Review status: criteria provided, single submitter. Criteria: Ambry Variant Classification Scheme 2023. Collection method: clinical testing. Allele origin: germline.
Comment: The c.1382_1384dupGCA variant (also known as p.S461dup), located in coding exon 9 of the FLCN gene, results from an in-frame duplication of GCA at nucleotide positions 1382 to 1384. This results in the duplication of an extra serine residue between codons 461 and 462. This amino acid position is well conserved in available vertebrate species. In addition, this alteration is predicted to be neutral by in silico analysis (Choi Y et al. PLoS ONE. 2012; 7(10):e46688). Since supporting evidence is limited at this time, the clinical significance of this alteration remains unclear.

NM_144997.7(FLCN):c.1382_1384dup (p.Ser461_Lys462insSer)

Gene: FLCN (folliculin; minus strand). Cytogenetic location: 17p11.2.
Variant type: Duplication.
Coding change: c.1382_1384dup on transcript NM_144997.7 (MANE Select); coding-DNA positions 1382 to 1384, 3 bases duplicated (GCA; older notation c.1382_1384dupGCA).
Protein change: p.Ser461_Lys462insSer.
Molecular consequence: inframe insertion. On other transcripts: inframe indel (1).
Genome position (GRCh38, 1-based): chr17:17,215,233-17,215,235, TGC duplicated on the plus strand (GCA on the coding strand, the reverse complement: FLCN is on the minus strand); duplicating any 3 consecutive bases within chr17:17,215,233-17,215,237 gives the same sequence; the c. name uses the placement nearest the transcript's 3' end. VCF-style (leftmost placement, unchanged base first): chr17-17215232-T-TTGC. GRCh37 (hg19) VCF-style: chr17-17118546-T-TTGC.
Other names: c.1382_1384dupGCA (NM_144997.5); c.1436_1438dup, p.Ser479_Lys480insSer (NM_001353229.2); c.1382_1384dup, p.Ser461_Lys462insSer (NM_001353230.2, NM_001353231.2).
Identifiers: ClinVar variation 2586488 (VCV002586488.4), dbSNP rs1482738729, ClinGen allele CA625314032.